The following is an entry in ClinVar:

ClinVar aggregate classification (germline): Uncertain significance. Review status: criteria provided, multiple submitters, no conflicts (2 of 4 stars). 8 submissions from 8 submitters: Uncertain significance (7). 1 of the submissions does not count toward it. Last evaluated 2025-06-18.

Conditions:
Polycystic kidney disease. Also called: Kidney, Polycystic; Polycystic kidney dysplasia. Identifiers: MedGen C0022680, MeSH D007690, MONDO:0020642, HP:0000113.
Polycystic kidney disease, adult type (PKD1). Also called: Polycystic Kidney, Autosomal Dominant; Polycystic Kidney Disease 1, Autosomal Dominant; Polycystic kidney disease 1; Polycystic kidney disease 1, severe; POLYCYSTIC KIDNEY DISEASE 1 WITH OR WITHOUT POLYCYSTIC LIVER DISEASE; POLYCYSTIC KIDNEY DISEASE, ADULT, TYPE I. Identifiers: MedGen C3149841, MONDO:0008263, OMIM 173900.

Allele frequency attached by ClinVar (database versions not stated): gnomAD 0.00014; TOPMed 0.00029; 1000 Genomes Project 30x 0.00094; 1000 Genomes Project 0.00100.
gnomAD v4.1: 350 of 1,581,244 alleles (0.022%); highest among the groups gnomAD compares: Admixed American, 0.13%; 1 homozygote.

Submissions (8):

Women's Health and Genetics/Laboratory Corporation of America, LabCorp
Classification: Uncertain significance. Last evaluated: 2025-06-18. Review status: criteria provided, single submitter. Criteria: LabCorp Variant Classification Summary - May 2015. Collection method: clinical testing. Allele origin: germline.
Comment: Variant summary: PKD1 c.8041C>T (p.Arg2681Cys) results in a non-conservative amino acid change in the encoded protein sequence. Algorithms developed to predict the effect of missense changes on protein structure and function are either unavailable or do not agree on the potential impact of this missense change. The variant allele was found at a frequency of 0.00029 in 145170 control chromosomes. This frequency is not significantly higher than estimated for a pathogenic variant in PKD1 causing Polycystic Kidney Disease 1, allowing no conclusion about variant significance. c.8041C>T has been observed in individual(s) affected with Polycystic Kidney Disease 1 (Audrezet_2016, Trujillano_2014). These report(s) do not provide unequivocal conclusions about association of the variant with Polycystic Kidney Disease 1. To our knowledge, no experimental evidence demonstrating an impact on protein function has been reported. The following publications have been ascertained in the context of this evaluation (PMID: 26139440, 25333066). ClinVar contains an entry for this variant (Variation ID: 684457). Based on the evidence outlined above, the variant was classified as uncertain significance.

Genetic Services Laboratory, University of Chicago
Classification: Uncertain significance. Last evaluated: 2023-11-22. Review status: criteria provided, single submitter. Criteria: ACMG Guidelines, 2015. Collection method: clinical testing. Allele origin: germline. Affected: no.
Comment: DNA sequence analysis of the PKD1 gene demonstrated a sequence change, c.8041C>T, in exon 22 that results in an amino acid change, p.Arg2681Cys. This sequence change has been previously described in one individual with PKD1-related disorders (PMID: 25333066). This sequence change has been described in the gnomAD database with a frequency of 0.03% in the overall population (dbSNP rs540634317). The p.Arg2681Cys change affects a poorly conserved amino acid residue located in a domain of the PKD1 protein that is known to be functional. The p.Arg2681Cys substitution appears to be deleterious using several in-silico pathogenicity prediction tools (SIFT, PolyPhen2, Align GVGD, REVEL). Due to insufficient evidences and the lack of functional studies, the clinical significance of the p.Arg2681Cys change remains unknown at this time.

GeneDx
Classification: Uncertain significance. Last evaluated: 2022-03-22. Review status: criteria provided, single submitter. Criteria: GeneDx Variant Classification Process June 2021. Collection method: clinical testing. Allele origin: germline. Affected: yes.
Comment: In silico analysis supports that this missense variant has a deleterious effect on protein structure/function; This variant is associated with the following publications: (PMID: 25333066)

Johns Hopkins Genomics, Johns Hopkins University
Classification: Uncertain significance for Polycystic kidney disease, adult type. Last evaluated: 2020-09-24. Review status: criteria provided, single submitter. Criteria: ACMG Guidelines, 2015. Collection method: clinical testing. Allele origin: germline.
Comment: This variant has been reported in individuals with autosomal dominant polycystic kidney disease. PKD1 c.8041C>T (rs540634317) is present in a large population dataset (gnomAD: 46/174394 total alleles; 0.03%; no homozygotes). Three bioinformatic tools queried predict that this substitution would be damaging, the arginine residue at this position is poorly evolutionarily conserved across the species assessed. We consider the clinical significance of c.8041C>T to be uncertain at this time.

Mendelics
Classification: Uncertain significance for Polycystic kidney disease, adult type. Last evaluated: 2019-05-28. Review status: criteria provided, single submitter. Criteria: Mendelics Assertion Criteria 2017. Collection method: clinical testing. Allele origin: unknown.

Breakthrough Genomics
Classification: Uncertain significance. Review status: criteria provided, single submitter. Criteria: ACMG Guidelines, 2015. Collection method: not provided. Allele origin: germline. Inheritance: Autosomal dominant inheritance. Affected: yes.

Juno Genomics, Hangzhou Juno Genomics, Inc
Classification: Uncertain significance for Polycystic kidney disease, adult type. Review status: criteria provided, single submitter. Criteria: ACMG Guidelines, 2015. Collection method: clinical testing. Allele origin: germline.
Comment: Absent from controls (or at extremely low frequency if recessive) in Genome Aggregation Database.;Multiple lines of computational evidence support a deleterious effect on the gene or gene product.;The prevalence of the variant in affected individuals is significantly increased compared to the prevalence in controls.;Patient's phenotype or family history is highly specific for a disease with a single genetic etiology.;Observed in a healthy adult individual for a recessive/dominant/X-linked disorder with full penetrance.

Department of Pathology and Laboratory Medicine, Sinai Health System
Classification: Likely benign for Polycystic Kidney disease. Review status: no assertion criteria provided. Collection method: clinical testing. Allele origin: unknown. Affected: yes. Study: The Canadian Open Genetics Repository (COGR). Not counted in ClinVar's aggregate classification.
Comment: The PKD1 p.Arg2681Cys variant was identified in 2 of 108 proband chromosomes (frequency: 0.02) from Spanish and French individuals or families with ADPKD (Trujillano 2014, Audrezet 2015). The variant was also identified in dbSNP (ID: rs540634317) as â€šÃ„ÃºNAâ€šÃ„Ã¹. The variant was not identified in ClinVar, LOVD 3.0, ADPKD Mutation Database, AND PKD1-LOVD. The variant was identified in control databases in 42 of 168108 chromosomes at a frequency of 0.0003 increasing the likelihood this could be a low frequency benign variant (Genome Aggregation Database Feb 27, 2017). The variant was observed in the following populations: African in 1 of 14980 chromosomes (freq: 0.00007), Other in 1 of 4648 chromosomes (freq: 0.0002), Latino in 22 of 25142 chromosomes (freq: 0.0009), European Non-Finnish in 11 of 68182 chromosomes (freq: 0.0002), Ashkenazi Jewish in 1 of 8354 chromosomes (freq: 0.0001), East Asian in 1 of 12446 chromosomes (freq: 0.00008), and South Asian in 5 of 23198 chromosomes (freq: 0.0002) while not observed in the European Finnish population. In addition we cannot be certain that data from control databases is specific to PKD1 and not from one of the six PKD1 pseudogenes. Although the p.Arg2681 residue is not conserved in mammals and other organisms, computational analyses (PolyPhen-2, SIFT, AlignGVGD, BLOSUM, MutationTaster) suggest that the Cys variant may impact the protein. The variant occurs outside of the splicing consensus sequence and in silico or computational prediction software programs (SpliceSiteFinder, MaxEntScan, NNSPLICE, GeneSplicer) do not predict a difference in splicing. In summary, based on the above information the clinical significance of this variant cannot be determined with certainty at this time although we would lean towards a more benign role for this variant. This variant is classified as likely benign.

Literature cited by the submitters: PubMed 26139440 (cited by Women's Health and Genetics/Laboratory Corporation of America, LabCorp and Johns Hopkins Genomics, Johns Hopkins University); PubMed 25333066 (cited by Women's Health and Genetics/Laboratory Corporation of America, LabCorp and Johns Hopkins Genomics, Johns Hopkins University).

NM_001009944.3(PKD1):c.8041C>T (p.Arg2681Cys)

Gene: PKD1 (polycystin 1, transient receptor potential channel interacting; minus strand). Cytogenetic location: 16p13.3.
Variant type: single nucleotide variant.
Coding change: c.8041C>T on transcript NM_001009944.3 (MANE Select); coding-DNA position 8041, C replaced by T.
Protein change: p.Arg2681Cys; replaces arginine 2681 with cysteine.
Molecular consequence: missense variant.
Genome position (GRCh38, 1-based): chr16:2,104,618, G>A on the plus strand (C>T on the coding strand, the complement: PKD1 is on the minus strand). VCF-style: chr16-2104618-G-A. GRCh37 (hg19) VCF-style: chr16-2154619-G-A.
Other names: c.8041C>T, p.Arg2681Cys (NM_000296.4); short protein forms R2681C.
Identifiers: ClinVar variation 684457 (VCV000684457.13), dbSNP rs540634317, ClinGen allele CA7830742.